The following is an entry in ClinVar:

NM_133497.4(KCNV2):c.854T>G (p.Met285Arg)

Gene: KCNV2 (potassium voltage-gated channel modifier subfamily V member 2; plus strand). Cytogenetic location: 9p24.2.
Variant type: single nucleotide variant.
Coding change: c.854T>G on transcript NM_133497.4 (MANE Select); coding-DNA position 854, T replaced by G.
Protein change: p.Met285Arg; replaces methionine 285 with arginine.
Molecular consequence: missense variant.
Genome position (GRCh38, 1-based): chr9:2,718,593, T>G. VCF-style: chr9-2718593-T-G. GRCh37 (hg19) VCF-style: chr9-2718593-T-G.
Other names: short protein forms M285R.
Identifiers: ClinVar variation 776404 (VCV000776404.14), dbSNP rs148050307, ClinGen allele CA4965647.

ClinVar aggregate classification (germline): Benign. Review status: criteria provided, multiple submitters, no conflicts (2 of 4 stars). 2 submissions from 2 submitters: Benign (2). Last evaluated 2026-02-01.

Conditions:
Cone dystrophy with supernormal rod response (CDSRR). Also called: CONE DYSTROPHY WITH SUPERNORMAL ROD RESPONSES. Identifiers: Orphanet 209932, MedGen C1835897, MONDO:0012475, OMIM 610356.

Allele frequency attached by ClinVar (database versions not stated): gnomAD exomes 0.00155; ExAC 0.00192; ESP Exome Variant Server 0.00562; gnomAD 0.00602 and 0.00652; 1000 Genomes Project 0.00619; 1000 Genomes Project 30x 0.00671; TOPMed 0.00677.
gnomAD v4.1: 1,770 of 1,613,006 alleles (0.11%); highest among the groups gnomAD compares: African/African-American, 2.1%; 18 homozygotes.

Submissions (2):

Labcorp Genetics (formerly Invitae), Labcorp
Classification: Benign. Last evaluated: 2026-02-01. Review status: criteria provided, single submitter. Criteria: Invitae Variant Classification Sherloc (09022015). Collection method: clinical testing. Allele origin: germline.

Illumina Laboratory Services, Illumina
Classification: Benign for Cone dystrophy with supernormal rod response. Last evaluated: 2017-04-27. Review status: criteria provided, single submitter. Criteria: ICSL Variant Classification Criteria 13 December 2019. Collection method: clinical testing. Allele origin: germline.
Comment: This variant was observed as part of a predisposition screen in an ostensibly healthy population. A literature search was performed for the gene, cDNA change, and amino acid change (where applicable). Publications were found based on this search. The evidence from the literature, in combination with allele frequency data from public databases where available, was sufficient to rule this variant out of causing disease. Therefore, this variant is classified as benign.

Literature cited by the submitters: PubMed 21402906 (cited by Illumina Laboratory Services, Illumina).